The following is an entry in ClinVar:

NM_004082.5(DCTN1):c.2986A>G (p.Thr996Ala)

Gene: DCTN1 (dynactin subunit 1; minus strand). Cytogenetic location: 2p13.1.
Variant type: single nucleotide variant.
Coding change: c.2986A>G on transcript NM_004082.5 (MANE Select); coding-DNA position 2986, A replaced by G.
Protein change: p.Thr996Ala; replaces threonine 996 with alanine.
Molecular consequence: missense variant. On other transcripts: non-coding transcript variant (1).
Genome position (GRCh38, 1-based): chr2:74,365,558, T>C on the plus strand (A>G on the coding strand, the complement: DCTN1 is on the minus strand). VCF-style: chr2-74365558-T-C. GRCh37 (hg19) VCF-style: chr2-74592685-T-C.
Other names: c.2926A>G, p.Thr976Ala (NM_001135040.3); c.2584A>G, p.Thr862Ala (NM_001135041.3, NM_023019.4); c.2875A>G, p.Thr959Ala (NM_001190836.2); c.2965A>G, p.Thr989Ala (NM_001190837.2); c.2935A>G, p.Thr979Ala (NM_001378991.1); c.2917A>G, p.Thr973Ala (NM_001378992.1); short protein forms T862A, T996A, T959A, T976A, T989A, T973A, T979A.
Identifiers: ClinVar variation 582031 (VCV000582031.9), dbSNP rs1558935430, ClinGen allele CA347341415.

ClinVar aggregate classification (germline): Uncertain significance. Review status: criteria provided, multiple submitters, no conflicts (2 of 4 stars). 2 submissions from 2 submitters: Uncertain significance (2). Last evaluated 2023-03-24.

Conditions:
Amyotrophic lateral sclerosis type 1 (ALS1). Also called: AMYOTROPHIC LATERAL SCLEROSIS 1, FAMILIAL. Identifiers: Orphanet 803, MedGen C1862939, MONDO:0007103, OMIM 105400.
Perry syndrome. Also called: PARKINSONISM WITH ALVEOLAR HYPOVENTILATION AND MENTAL DEPRESSION. Identifiers: Orphanet 178509, MedGen C1868594, MONDO:0008201, OMIM 168605.
Neuronopathy, distal hereditary motor, type 7B. Also called: NEURONOPATHY, DISTAL HEREDITARY MOTOR, AUTOSOMAL DOMINANT 14; NEURONOPATHY, DISTAL HEREDITARY MOTOR, HARDING TYPE VIIB; NEUROPATHY, DISTAL HEREDITARY MOTOR, HARDING TYPE VIIB; NEUROPATHY, DISTAL HEREDITARY MOTOR, WITH VOCAL CORD PARALYSIS, HARDING TYPE VIIB; LOWER MOTOR NEURON DISEASE, DYNACTIN TYPE; Distal Hereditary Motor Neuronopathy Type 7B (dHMN7B). Identifiers: Orphanet 139589, MedGen C1843315, MONDO:0011879, OMIM 607641.

Allele frequency attached by ClinVar (database versions not stated): gnomAD exomes below 0.00001.
gnomAD v4.1: 1 of 1,614,008 alleles (0.000062%); highest among the groups gnomAD compares: Non-Finnish European, 0.000085%; no homozygotes.

Submissions (2):

GeneDx
Classification: Uncertain significance. Last evaluated: 2023-03-24. Review status: criteria provided, single submitter. Criteria: GeneDx Variant Classification Process June 2021. Collection method: clinical testing. Allele origin: germline. Affected: yes.
Comment: Not observed at significant frequency in large population cohorts (gnomAD); In silico analysis supports that this missense variant does not alter protein structure/function; Has not been previously published as pathogenic or benign to our knowledge

Labcorp Genetics (formerly Invitae), Labcorp
Classification: Uncertain significance for Amyotrophic lateral sclerosis type 1; Neuronopathy, distal hereditary motor, type 7B; Perry syndrome. Last evaluated: 2022-09-07. Review status: criteria provided, single submitter. Criteria: Invitae Variant Classification Sherloc (09022015). Collection method: clinical testing. Allele origin: germline.
Comment: Algorithms developed to predict the effect of missense changes on protein structure and function are either unavailable or do not agree on the potential impact of this missense change (SIFT: "Deleterious"; PolyPhen-2: "Benign"; Align-GVGD: "Class C0"). ClinVar contains an entry for this variant (Variation ID: 582031). This variant has not been reported in the literature in individuals affected with DCTN1-related conditions. This variant is not present in population databases (gnomAD no frequency). This sequence change replaces threonine, which is neutral and polar, with alanine, which is neutral and non-polar, at codon 996 of the DCTN1 protein (p.Thr996Ala). In summary, the available evidence is currently insufficient to determine the role of this variant in disease. Therefore, it has been classified as a Variant of Uncertain Significance.